The following is an entry in ClinVar:

NM_001206927.2(DNAH8):c.13691T>C (p.Met4564Thr)

Gene: DNAH8 (dynein axonemal heavy chain 8; plus strand). Cytogenetic location: 6p21.2.
Variant type: single nucleotide variant.
Coding change: c.13691T>C on transcript NM_001206927.2 (MANE Select); coding-DNA position 13691, T replaced by C.
Protein change: p.Met4564Thr; replaces methionine 4564 with threonine.
Molecular consequence: missense variant.
Genome position (GRCh38, 1-based): chr6:39,012,614, T>C. VCF-style: chr6-39012614-T-C. GRCh37 (hg19) VCF-style: chr6-38980390-T-C.
Other names: c.13040T>C, p.Met4347Thr (NM_001371.4); short protein forms M4347T, M4564T.
Identifiers: ClinVar variation 640144 (VCV000640144.10), dbSNP rs970547854, ClinGen allele CA137579457.

ClinVar aggregate classification (germline): Uncertain significance. Review status: criteria provided, multiple submitters, no conflicts (2 of 4 stars). 2 submissions from 2 submitters: Uncertain significance (2). Last evaluated 2023-08-08.

Conditions:
Primary ciliary dyskinesia. Also called: Ciliary dyskinesia. Identifiers: Orphanet 244, MedGen C0008780, MONDO:0016575, HP:0012265.

Allele frequency attached by ClinVar (database versions not stated): gnomAD 0.00001; gnomAD exomes 0.00001; TOPMed 0.00002.
gnomAD v4.1: 8 of 1,613,922 alleles (0.0005%); highest among the groups gnomAD compares: Non-Finnish European, 0.00068%; no homozygotes.

Submissions (2):

Ambry Genetics
Classification: Uncertain significance. Last evaluated: 2023-08-08. Review status: criteria provided, single submitter. Criteria: Ambry Variant Classification Scheme 2023. Collection method: clinical testing. Allele origin: germline.

Labcorp Genetics (formerly Invitae), Labcorp
Classification: Uncertain significance for Primary ciliary dyskinesia. Last evaluated: 2018-12-26. Review status: criteria provided, single submitter. Criteria: Invitae Variant Classification Sherloc (09022015). Collection method: clinical testing. Allele origin: germline.
Comment: This sequence change replaces methionine with threonine at codon 4564 of the DNAH8 protein (p.Met4564Thr). The methionine residue is moderately conserved and there is a moderate physicochemical difference between methionine and threonine. This variant is not present in population databases (ExAC no frequency). This variant has not been reported in the literature in individuals with DNAH8-related conditions. Algorithms developed to predict the effect of missense changes on protein structure and function are either unavailable or do not agree on the potential impact of this missense change (SIFT: "Deleterious"; PolyPhen-2: "Not available"; Align-GVGD: "Class C0"). In summary, the available evidence is currently insufficient to determine the role of this variant in disease. Therefore, it has been classified as a Variant of Uncertain Significance.